The following is an entry in ClinVar:

ClinVar aggregate classification (germline): Uncertain significance (1 of 4 stars; one submission).

Conditions:
CHARGE syndrome (CHARGE). Also called: Hittner Hirsch Kreh syndrome; CHARGE ASSOCIATION--COLOBOMA, HEART ANOMALY, CHOANAL ATRESIA, RETARDATION, GENITAL AND EAR ANOMALIES; Coloboma, heart anomaly, choanal atresia, retardation, genital and ear anomalies; CHARGE association; Hall-Hittner syndrome. Identifiers: Orphanet 138, MedGen C0265354, MONDO:0008965.

Submission:

Labcorp Genetics (formerly Invitae), Labcorp
Classification: Uncertain significance for CHARGE syndrome. Last evaluated: 2022-09-07. Review status: criteria provided, single submitter. Criteria: Invitae Variant Classification Sherloc (09022015). Collection method: clinical testing. Allele origin: germline.
Comment: In summary, the available evidence is currently insufficient to determine the role of this variant in disease. Therefore, it has been classified as a Variant of Uncertain Significance. Advanced modeling of protein sequence and biophysical properties (such as structural, functional, and spatial information, amino acid conservation, physicochemical variation, residue mobility, and thermodynamic stability) performed at Invitae indicates that this missense variant is not expected to disrupt CHD7 protein function. This variant has not been reported in the literature in individuals affected with CHD7-related conditions. This variant is not present in population databases (gnomAD no frequency). This sequence change replaces serine, which is neutral and polar, with phenylalanine, which is neutral and non-polar, at codon 465 of the CHD7 protein (p.Ser465Phe).

NM_017780.4(CHD7):c.1394C>T (p.Ser465Phe)

Gene: CHD7 (chromodomain helicase DNA binding protein 7; plus strand). Cytogenetic location: 8q12.2.
Variant type: single nucleotide variant.
Coding change: c.1394C>T on transcript NM_017780.4 (MANE Select); coding-DNA position 1394, C replaced by T.
Protein change: p.Ser465Phe; replaces serine 465 with phenylalanine.
Molecular consequence: missense variant.
Genome position (GRCh38, 1-based): chr8:60,742,826, C>T. VCF-style: chr8-60742826-C-T. GRCh37 (hg19) VCF-style: chr8-61655385-C-T.
Other names: c.1394C>T, p.Ser465Phe (NM_001316690.1); short protein forms S465F.
Identifiers: ClinVar variation 2086011 (VCV002086011.4), dbSNP rs2487282057, ClinGen allele CA371302703.